The following is an entry in ClinVar:

NM_001291867.2(NHS):c.4276G>A (p.Ala1426Thr)

Gene: NHS (NHS actin remodeling regulator; plus strand). Cytogenetic location: Xp22.13.
Variant type: single nucleotide variant.
Coding change: c.4276G>A on transcript NM_001291867.2 (MANE Select); coding-DNA position 4276, G replaced by A.
Protein change: p.Ala1426Thr; replaces alanine 1426 with threonine.
Molecular consequence: missense variant.
Genome position (GRCh38, 1-based): chrX:17,728,702, G>A. VCF-style: chrX-17728702-G-A. GRCh37 (hg19) VCF-style: chrX-17746822-G-A.
Other names: c.3745G>A, p.Ala1249Thr (NM_001136024.4); c.3682G>A, p.Ala1228Thr (NM_001291868.2); c.4213G>A, p.Ala1405Thr (NM_198270.4); short protein forms A1249T, A1228T, A1426T, A1405T.
Identifiers: ClinVar variation 3682246 (VCV003682246.1).

ClinVar aggregate classification (germline): Uncertain significance (1 of 4 stars; one submission).

Conditions:
Nance-Horan syndrome (NHS). Identifiers: Orphanet 627, MedGen C0796085, MONDO:0010545, OMIM 302350.

Submission:

Labcorp Genetics (formerly Invitae), Labcorp
Classification: Uncertain significance for Nance-Horan syndrome. Last evaluated: 2024-06-26. Review status: criteria provided, single submitter. Criteria: Invitae Variant Classification Sherloc (09022015). Collection method: clinical testing. Allele origin: germline.
Comment: This sequence change replaces alanine, which is neutral and non-polar, with threonine, which is neutral and polar, at codon 1405 of the NHS protein (p.Ala1405Thr). This variant is not present in population databases (gnomAD no frequency). This variant has not been reported in the literature in individuals affected with NHS-related conditions. Advanced modeling of protein sequence and biophysical properties (such as structural, functional, and spatial information, amino acid conservation, physicochemical variation, residue mobility, and thermodynamic stability) performed at Invitae indicates that this missense variant is not expected to disrupt NHS protein function with a negative predictive value of 80%. In summary, the available evidence is currently insufficient to determine the role of this variant in disease. Therefore, it has been classified as a Variant of Uncertain Significance.